The following is an entry in ClinVar:

ClinVar aggregate classification (germline): Pathogenic. Review status: criteria provided, multiple submitters, no conflicts (2 of 4 stars). 2 submissions from 2 submitters: Pathogenic (2). Last evaluated 2025-02-10.

Conditions:
Hereditary nonpolyposis colorectal neoplasms. Identifiers: MedGen C0009405, MeSH D003123.
Hereditary cancer-predisposing syndrome. Also called: Hereditary neoplastic syndrome; Neoplastic Syndromes, Hereditary; Hereditary Cancer Syndrome; Tumor predisposition. Identifiers: Orphanet 140162, MedGen C0027672, MeSH D009386, MONDO:0015356.

Submissions (2):

Ambry Genetics
Classification: Pathogenic for Hereditary cancer-predisposing syndrome. Last evaluated: 2025-02-10. Review status: criteria provided, single submitter. Criteria: Ambry Variant Classification Scheme 2023. Collection method: clinical testing. Allele origin: germline.
Comment: The c.66_69delAGTC pathogenic mutation, located in coding exon 2 of the PMS2 gene, results from a deletion of 4 nucleotides at nucleotide positions 66 to 69, causing a translational frameshift with a predicted alternate stop codon (p.V23Ifs*10). This alteration is expected to result in loss of function by premature protein truncation or nonsense-mediated mRNA decay. As such, this alteration is interpreted as a disease-causing mutation.

Labcorp Genetics (formerly Invitae), Labcorp
Classification: Pathogenic for Hereditary nonpolyposis colorectal neoplasms. Last evaluated: 2023-10-26. Review status: criteria provided, single submitter. Criteria: Invitae Variant Classification Sherloc (09022015). Collection method: clinical testing. Allele origin: germline.
Comment: This sequence change creates a premature translational stop signal (p.Val23Ilefs*10) in the PMS2 gene. It is expected to result in an absent or disrupted protein product. Loss-of-function variants in PMS2 are known to be pathogenic (PMID: 21376568, 24362816). This variant is not present in population databases (gnomAD no frequency). This variant has not been reported in the literature in individuals affected with PMS2-related conditions. For these reasons, this variant has been classified as Pathogenic.

Literature cited by the submitters: PubMed 21376568 (cited by Labcorp Genetics (formerly Invitae), Labcorp); PubMed 24362816 (cited by Labcorp Genetics (formerly Invitae), Labcorp).

NM_000535.7(PMS2):c.66_69del (p.Val23fs)

Gene: PMS2 (PMS1 homolog 2, mismatch repair system component; minus strand). Cytogenetic location: 7p22.1.
Variant type: Microsatellite.
Coding change: c.66_69del on transcript NM_000535.7 (MANE Select); coding-DNA positions 66 to 69, 4 bases deleted (AGTC; older notation c.66_69delAGTC).
Protein change: p.Val23fs; shifts the reading frame from valine 23.
Molecular consequence: frameshift variant. On other transcripts: 5 prime UTR variant (38), non-coding transcript variant (1), intron variant (7).
Genome position (GRCh38, 1-based): chr7:6,005,986-6,005,989, GACT deleted on the plus strand (AGTC on the coding strand, the reverse complement: PMS2 is on the minus strand); deleting any 4 consecutive bases within chr7:6,005,986-6,005,993 gives the same sequence; the c. name uses the placement nearest the transcript's 3' end. VCF-style (leftmost placement, unchanged base first): chr7-6005985-GGACT-G. GRCh37 (hg19) VCF-style: chr7-6045616-GGACT-G.
Other names: c.62_65AGTC[1], p.Val23Ilefs (NM_000535.5); c.-344_-341AGTC[1] (NM_001018040.1); c.-344AGTC[1] (NM_001322003.2, NM_001322005.2, NM_001322009.2 and 10 more transcripts); c.66_69del, p.Val23fs (NM_001322006.2, NM_001322014.2, NM_001406868.1 and 10 more transcripts); c.-154AGTC[1] (NM_001322007.2, NM_001406876.1, NM_001406883.1 and 4 more transcripts); c.-823AGTC[1] (NM_001322011.2, NM_001322012.2); c.-423AGTC[1] (NM_001322015.2, NM_001406875.1, NM_001406877.1 and 2 more transcripts); c.252_255del, p.Val85fs (NM_001406866.1); and 10 more; short protein forms V23fs, V85fs.
Identifiers: ClinVar variation 2765345 (VCV002765345.4), dbSNP rs2536590297, ClinGen allele CA913189105.